The following is an entry in ClinVar:

ClinVar aggregate classification (germline): Pathogenic (1 of 4 stars; one submission).

Conditions:
Multiple congenital exostosis (EXT). Also called: Hereditary multiple exostoses; Hereditary multiple exostosis; MULTIPLE CARTILAGINOUS EXOSTOSES; Multiple exostoses; Multiple osteochondromas; Hereditary multiple osteochondromas. Identifiers: Orphanet 321, MedGen C0015306, MONDO:0005508, HP:0002762.

Submission:

Labcorp Genetics (formerly Invitae), Labcorp
Classification: Pathogenic for Multiple congenital exostosis. Last evaluated: 2019-02-24. Review status: criteria provided, single submitter. Criteria: Invitae Variant Classification Sherloc (09022015). Collection method: clinical testing. Allele origin: germline.
Comment: This variant is not present in population databases (ExAC no frequency). This sequence change creates a premature translational stop signal (p.Cys16Valfs*120) in the EXT1 gene. It is expected to result in an absent or disrupted protein product. This variant has not been reported in the literature in individuals with EXT1-related conditions. Loss-of-function variants in EXT1 are known to be pathogenic (PMID: 10679937, 11391482, 19810120). For these reasons, this variant has been classified as Pathogenic.

Literature cited by the submitters: PubMed 10679937; PubMed 11391482; PubMed 19810120.

NM_000127.3(EXT1):c.46del (p.Cys16fs)

Gene: EXT1 (exostosin glycosyltransferase 1; minus strand). Cytogenetic location: 8q24.11.
Variant type: Deletion.
Coding change: c.46del on transcript NM_000127.3 (MANE Select); coding-DNA position 46, one base deleted (T; older notation c.46delT).
Protein change: p.Cys16fs; shifts the reading frame from cysteine 16.
Molecular consequence: frameshift variant.
Genome position (GRCh38, 1-based): chr8:118,111,001, A deleted on the plus strand (T on the coding strand, the reverse complement: EXT1 is on the minus strand); the first of 2 consecutive A bases (chr8:118,111,001-118,111,002); deleting either gives the same sequence. VCF-style (leftmost placement, unchanged base first): chr8-118111000-CA-C. GRCh37 (hg19) VCF-style: chr8-119123239-CA-C.
Other names: short protein forms C16fs.
Identifiers: ClinVar variation 857317 (VCV000857317.7), dbSNP rs1817893887, ClinGen allele CA916081532.